The following is an entry in ClinVar:

ClinVar aggregate classification (germline): Benign/Likely benign. Review status: criteria provided, multiple submitters, no conflicts (2 of 4 stars). 3 submissions from 3 submitters: Benign (1); Likely benign (2). Last evaluated 2025-06-13.

gnomAD v4.1: 224 of 1,614,218 alleles (0.014%); highest among the groups gnomAD compares: Admixed American, 0.088%; no homozygotes.

Submissions (3):

Labcorp Genetics (formerly Invitae), Labcorp
Classification: Benign. Last evaluated: 2025-06-13. Review status: criteria provided, single submitter. Criteria: Invitae Variant Classification Sherloc (09022015). Collection method: clinical testing. Allele origin: germline.

CeGaT Center for Human Genetics Tuebingen
Classification: Likely benign. Last evaluated: 2024-12-01. Review status: criteria provided, single submitter. Criteria: CeGaT Center For Human Genetics Tuebingen Variant Classification Criteria Version 2. Collection method: clinical testing. Allele origin: germline. Affected: yes. Observed: 1 variant allele.
Comment: RNF213: BP4, BP7

Blueprint Genetics
Classification: Likely benign. Last evaluated: 2024-09-20. Review status: criteria provided, single submitter. Criteria: ACMG Guidelines, 2015. Collection method: clinical testing. Allele origin: germline.

NM_001256071.3(RNF213):c.11415C>T (p.Pro3805=)

Genes: RNF213 (ring finger protein 213; plus strand), RNF213-AS1 (RNF213 antisense RNA 1; minus strand). Cytogenetic location: 17q25.3.
Variant type: single nucleotide variant.
Coding change: c.11415C>T on transcript NM_001256071.3 (MANE Select); coding-DNA position 11415, C replaced by T.
Protein change: p.Pro3805=; no amino-acid change (proline 3805 retained).
Molecular consequence: synonymous variant.
Genome position (GRCh38, 1-based): chr17:80,363,161, C>T. VCF-style: chr17-80363161-C-T. GRCh37 (hg19) VCF-style: chr17-78336961-C-T.
Other names: c.11562C>T, p.Pro3854= (NM_001410195.1, NM_020914.5).
Identifiers: ClinVar variation 3771209 (VCV003771209.15).
Genomic context (GRCh38, chr17:80,363,161, plus strand): 5'-GTTTCTGCAGATGGCTCTGTGGTCCTGCACTAGGAAACTGAAAGCGGCGTCAGAAGCGCC[C>T]GAGGAAGAGGTTTCCTTACCGTGGGTGCACCTTGCCTACCAGCGTTTCAGAAGCCGTCTG-3'
Protein context (NP_001243000.2, residues 3795-3815): TRKLKAASEA[Pro3805=]EEEVSLPWVH